The following is an entry in ClinVar:

ClinVar aggregate classification (germline): Likely benign. Review status: criteria provided, multiple submitters, no conflicts (2 of 4 stars). 2 submissions from 2 submitters: Likely benign (2). Last evaluated 2018-01-13.

Conditions:
Heterotaxy, visceral, 4, autosomal (HTX4). Identifiers: Orphanet 450, MedGen C3151057, MONDO:0013403, OMIM 613751.

Allele frequency attached by ClinVar (database versions not stated): 1000 Genomes Project 0.00120; gnomAD 0.00121 and 0.00126; TOPMed 0.00139; 1000 Genomes Project 30x 0.00141.

Submissions (3):

Illumina Laboratory Services, Illumina
Classification: Likely benign for Heterotaxy, visceral, 4, autosomal. Last evaluated: 2018-01-13. Review status: criteria provided, single submitter. Criteria: ICSL Variant Classification Criteria 13 December 2019. Collection method: clinical testing. Allele origin: germline.
Comment: This variant was observed in the ICSL laboratory as part of a predisposition screen in an ostensibly healthy population. It had not been previously curated by ICSL or reported in the Human Gene Mutation Database (HGMD: prior to June 1st, 2018), and was therefore a candidate for classification through an automated scoring system. Utilizing variant allele frequency, disease prevalence and penetrance estimates, and inheritance mode, an automated score was calculated to assess if this variant is too frequent to cause the disease. Based on the score and internal cut-off values, a variant classified as likely benign is not then subjected to further curation. The score for this variant resulted in a classification of likely benign for this disease.

Breakthrough Genomics
Classification: Likely benign. Review status: criteria provided, single submitter. Criteria: ACMG Guidelines, 2015. Collection method: not provided. Allele origin: germline. Inheritance: Unknown mechanism. Affected: yes.

Dr. Peter K. Rogan Lab, Western University
No classification provided (evidence only). Condition: Uterine corpus endometrial carcinoma. Review status: no classification provided. Collection method: in vitro. Allele origin: not applicable. Functional consequence: retained intron. Not counted in ClinVar's aggregate classification.

NM_001106.4(ACVR2B):c.*1656A>T

Gene: ACVR2B (activin A receptor type 2B; plus strand). Cytogenetic location: 3p22.2.
Variant type: single nucleotide variant.
Coding change: c.*1656A>T on transcript NM_001106.4 (MANE Select); 1656 bases downstream of the stop codon, A replaced by T.
Molecular consequence: 3 prime UTR variant.
Genome position (GRCh38, 1-based): chr3:38,484,988, A>T. VCF-style: chr3-38484988-A-T. GRCh37 (hg19) VCF-style: chr3-38526479-A-T.
Other names: NC_000003.11:g.38526479A>T.
Identifiers: ClinVar variation 344950 (VCV000344950.7), dbSNP rs112507772, ClinGen allele CA10616239.
Genomic context (GRCh38, chr3:38,484,988, plus strand): 5'-TCTTCTAGGGAGTGCTACCATTTTTGTTTGATAACGCCCCCTTGTAAATAATTGTCATCA[A>T]CTGTAGGTTGGCTGTCTGGGCCAAGTCTGGGCATTTATCAGTCTTGTTTGTGAAGGCTTT-3'